The following is an entry in ClinVar:

ClinVar aggregate classification (germline): Uncertain significance. Review status: criteria provided, multiple submitters, no conflicts (2 of 4 stars). 2 submissions from 2 submitters: Uncertain significance (2). Last evaluated 2025-10-28.

Submissions (2):

Ambry Genetics
Classification: Uncertain significance. Last evaluated: 2025-10-28. Review status: criteria provided, single submitter. Criteria: Ambry Variant Classification Scheme 2023. Collection method: clinical testing. Allele origin: germline.

Labcorp Genetics (formerly Invitae), Labcorp
Classification: Uncertain significance. Last evaluated: 2024-11-27. Review status: criteria provided, single submitter. Criteria: Invitae Variant Classification Sherloc (09022015). Collection method: clinical testing. Allele origin: germline.
Comment: This sequence change replaces serine, which is neutral and polar, with threonine, which is neutral and polar, at codon 1169 of the KANK1 protein (p.Ser1169Thr). This variant is not present in population databases (gnomAD no frequency). This variant has not been reported in the literature in individuals affected with KANK1-related conditions. Invitae Evidence Modeling of protein sequence and biophysical properties (such as structural, functional, and spatial information, amino acid conservation, physicochemical variation, residue mobility, and thermodynamic stability) indicates that this missense variant is expected to disrupt KANK1 protein function with a positive predictive value of 80%. In summary, the available evidence is currently insufficient to determine the role of this variant in disease. Therefore, it has been classified as a Variant of Uncertain Significance.

NM_015158.5(KANK1):c.3506G>C (p.Ser1169Thr)

Genes: KANK1 (KN motif and ankyrin repeat domains 1; plus strand), LOC126860554 (MED14-independent group 3 enhancer GRCh37_chr9:737889-739088; plus strand). Cytogenetic location: 9p24.3.
Variant type: single nucleotide variant.
Coding change: c.3506G>C on transcript NM_015158.5 (MANE Select); coding-DNA position 3506, G replaced by C.
Protein change: p.Ser1169Thr; replaces serine 1169 with threonine.
Molecular consequence: missense variant. On other transcripts: non-coding transcript variant (1).
Genome position (GRCh38, 1-based): chr9:738,457, G>C. VCF-style: chr9-738457-G-C. GRCh37 (hg19) VCF-style: chr9-738457-G-C.
Other names: c.3506G>C (NM_015158.2); c.2978G>C, p.Ser993Thr (NM_001354344.2, NM_001354338.2, NM_001354340.2); c.3032G>C, p.Ser1011Thr (NM_153186.6, NM_001354335.2, NM_001354337.2 and 2 more transcripts); c.3506G>C, p.Ser1169Thr (NM_001354334.2, NM_001256876.3, NM_001256877.3); c.2738G>C, p.Ser913Thr (NM_001354336.2); c.2792G>C, p.Ser931Thr (NM_001354339.2, NM_001354342.2, NM_001354343.2); c.3266G>C, p.Ser1089Thr (NM_001354331.2); c.3452G>C, p.Ser1151Thr (NM_001354332.2); short protein forms S1011T, S1089T, S913T, S1169T, S993T, S1151T, S931T.
Identifiers: ClinVar variation 3666638 (VCV003666638.3).